The following is an entry in ClinVar:

NM_006892.4(DNMT3B):c.380G>A (p.Arg127Gln)

Gene: DNMT3B (DNA methyltransferase 3 beta; plus strand). Cytogenetic location: 20q11.21.
Variant type: single nucleotide variant.
Coding change: c.380G>A on transcript NM_006892.4 (MANE Select); coding-DNA position 380, G replaced by A.
Protein change: p.Arg127Gln; replaces arginine 127 with glutamine.
Molecular consequence: missense variant. On other transcripts: intron variant (2).
Genome position (GRCh38, 1-based): chr20:32,786,575, G>A. VCF-style: chr20-32786575-G-A. GRCh37 (hg19) VCF-style: chr20-31374381-G-A.
Other names: c.380G>A, p.Arg127Gln (NM_175848.2, NM_175849.2); c.416G>A, p.Arg139Gln (NM_175850.3); c.307-655G>A (NM_001207055.2); c.205-655G>A (NM_001207056.2); c.380G>A (NM_006892.3); short protein forms R127Q, R139Q.
Identifiers: ClinVar variation 1423808 (VCV001423808.7), dbSNP rs754832933, ClinGen allele CA9810173.

ClinVar aggregate classification (germline): Uncertain significance. Review status: criteria provided, multiple submitters, no conflicts (2 of 4 stars). 2 submissions from 2 submitters: Uncertain significance (2). Last evaluated 2025-06-06.

Conditions:
Centromeric instability of chromosomes 1,9 and 16 and immunodeficiency (ICF1). Also called: Immunodeficiency-centromeric instability-facial anomalies; IMMUNE DEFICIENCY, VARIABLE, WITH CENTROMERIC INSTABILITY OF CHROMOSOMES 1, 9, AND 16; IMMUNODEFICIENCY SYNDROME, VARIABLE; CENTROMERIC INSTABILITY, IMMUNODEFICIENCY SYNDROME. Identifiers: Orphanet 2268, MedGen C0398788, MONDO:0000133.
Inborn genetic diseases. Identifiers: MedGen C0950123, MeSH D030342.

Allele frequency attached by ClinVar (database versions not stated): ExAC 0.00001; gnomAD exomes 0.00002; TOPMed 0.00002.
gnomAD v4.1: 38 of 1,613,830 alleles (0.0024%); highest among the groups gnomAD compares: Admixed American, 0.0033%; no homozygotes.

Submissions (2):

Ambry Genetics
Classification: Uncertain significance for Inborn genetic diseases. Last evaluated: 2025-06-06. Review status: criteria provided, single submitter. Criteria: Ambry Variant Classification Scheme 2023. Collection method: clinical testing. Allele origin: germline.

Labcorp Genetics (formerly Invitae), Labcorp
Classification: Uncertain significance for Centromeric instability of chromosomes 1,9 and 16 and immunodeficiency. Last evaluated: 2021-08-14. Review status: criteria provided, single submitter. Criteria: Invitae Variant Classification Sherloc (09022015). Collection method: clinical testing. Allele origin: germline.
Comment: This sequence change replaces arginine with glutamine at codon 127 of the DNMT3B protein (p.Arg127Gln). The arginine residue is highly conserved and there is a small physicochemical difference between arginine and glutamine. This variant is present in population databases (rs754832933, ExAC 0.002%). This variant has not been reported in the literature in individuals affected with DNMT3B-related conditions. Algorithms developed to predict the effect of missense changes on protein structure and function output the following: SIFT: "Tolerated"; PolyPhen-2: "Probably Damaging"; Align-GVGD: "Class C0". The glutamine amino acid residue is found in multiple mammalian species, which suggests that this missense change does not adversely affect protein function. In summary, the available evidence is currently insufficient to determine the role of this variant in disease. Therefore, it has been classified as a Variant of Uncertain Significance.